The following is an entry in ClinVar:

NM_003143.3(SSBP1):c.182C>T (p.Thr61Ile)

Gene: SSBP1 (single stranded DNA binding protein 1; plus strand). Cytogenetic location: 7q34.
Variant type: single nucleotide variant.
Coding change: c.182C>T on transcript NM_003143.3 (MANE Select); coding-DNA position 182, C replaced by T.
Protein change: p.Thr61Ile; replaces threonine 61 with isoleucine.
Molecular consequence: missense variant. On other transcripts: non-coding transcript variant (1).
Genome position (GRCh38, 1-based): chr7:141,743,657, C>T. VCF-style: chr7-141743657-C-T. GRCh37 (hg19) VCF-style: chr7-141443457-C-T.
Other names: c.182C>T, p.Thr61Ile (NM_001256510.1, NM_001256511.1, NM_001256512.1 and 1 more transcripts); short protein forms T61I.
Identifiers: ClinVar variation 4976170 (VCV004976170.1).
Genomic context (GRCh38, chr7:141,743,657, plus strand): 5'-AGGACCCTGTCTTGAGACAGGTGGAAGGAAAAAATCCAGTCACAATATTTTCTCTAGCAA[C>T]TAATGAGATGTGGCGATCAGGGGATAGTGAAGTTTACCAACTGGGTGAGTACAAAAGACT-3'
Protein context (NP_003134.1, residues 51-71): KNPVTIFSLA[Thr61Ile]NEMWRSGDSE

ClinVar aggregate classification (germline): Uncertain significance (1 of 4 stars; one submission).

Submission:

GeneDx
Classification: Uncertain significance. Last evaluated: 2026-02-08. Review status: criteria provided, single submitter. Criteria: GeneDx Variant Classification Process June 2021. Collection method: clinical testing. Allele origin: germline.
Comment: Not observed at significant frequency in large population cohorts (gnomAD); In silico analysis supports that this missense variant has a deleterious effect on protein structure/function; Has not been previously published as pathogenic or benign to our knowledge